The following is an entry in ClinVar:

ClinVar aggregate classification (germline): Likely pathogenic. Review status: criteria provided, single submitter (1 of 4 stars). 2 submissions from 2 submitters: Likely pathogenic (1). 1 of the submissions does not count toward it. Last evaluated 2025-01-14.

Conditions:
Cohen syndrome (COH1). Also called: Cutis verticis gyrata, retinitis pigmentosa, and sensorineural deafness; PEPPER SYNDROME. Identifiers: Orphanet 193, MedGen C0265223, MONDO:0008999, OMIM 216550.

Submissions (2):

Natera, Inc.
Classification: Likely pathogenic for Cohen syndrome. Last evaluated: 2025-01-14. Review status: criteria provided, single submitter. Criteria: Natera Variant Classification Schema (03/2026). Collection method: clinical testing. Allele origin: germline.
Comment: The c.4907T>A variant in VPS13B is a missense variant predicted to cause substitution of isoleucine to asparagine at amino acid 1636. This variant is rare in the general population with a frequency below the threshold expected for the associated phenotype(s). This variant has been observed in one or more individuals affected with the associated recessive disease, as either homozygous or compound heterozygous with a second variant (PMID: 20656880). Additionally, this variant has been observed to segregate in affected family members (PMID: 20656880). This variant has been identified in one or more affected individuals with a phenotype highly consistent with the associated gene (PMID: 20656880). Computational prediction algorithms indicate this variant is likely to affect gene or protein function. Given the available evidence, this variant is classified as Likely Pathogenic.

Service de Génétique Moléculaire, Hôpital Robert Debré
Classification: Pathogenic for Cohen syndrome. Review status: no assertion criteria provided. Collection method: clinical testing. Allele origin: unknown. Affected: yes. Not counted in ClinVar's aggregate classification.

Literature cited by the submitters: PubMed 20656880 (cited by Natera, Inc.).

NM_152564.5(VPS13B):c.4832T>A (p.Ile1611Asn)

Gene: VPS13B (vacuolar protein sorting 13 homolog B; plus strand). Cytogenetic location: 8q22.2.
Variant type: single nucleotide variant.
Coding change: c.4832T>A on transcript NM_152564.5 (MANE Select); coding-DNA position 4832, T replaced by A.
Protein change: p.Ile1611Asn; replaces isoleucine 1611 with asparagine.
Molecular consequence: missense variant.
Genome position (GRCh38, 1-based): chr8:99,556,536, T>A. VCF-style: chr8-99556536-T-A. GRCh37 (hg19) VCF-style: chr8-100568764-T-A.
Other names: c.4907T>A, p.Ile1636Asn (NM_017890.5); short protein forms I1611N, I1636N.
Identifiers: ClinVar variation 977843 (VCV000977843.3), dbSNP rs2490789575, ClinGen allele CA371869195.